The following is an entry in ClinVar:

NM_001905.4(CTPS1):c.336A>G (p.Gln112=)

Gene: CTPS1 (CTP synthase 1; plus strand). Cytogenetic location: 1p34.2.
Variant type: single nucleotide variant.
Coding change: c.336A>G on transcript NM_001905.4 (MANE Select); coding-DNA position 336, A replaced by G.
Protein change: p.Gln112=; no amino-acid change (glutamine 112 retained).
Molecular consequence: synonymous variant. On other transcripts: non-coding transcript variant (1).
Genome position (GRCh38, 1-based): chr1:40,984,990, A>G. VCF-style: chr1-40984990-A-G. GRCh37 (hg19) VCF-style: chr1-41450662-A-G.
Identifiers: ClinVar variation 844360 (VCV000844360.9), dbSNP rs1642414869, ClinGen allele CA417358574.

ClinVar aggregate classification (germline): Uncertain significance (1 of 4 stars; one submission).

Conditions:
Combined immunodeficiency due to CTPS1 deficiency. Also called: Immunodeficiency 24; Severe combined immunodeficiency due to CTPS1 deficiency. Identifiers: Orphanet 420573, MedGen C4014617, MONDO:0014391, OMIM 615897.

gnomAD v4.1: 2 of 1,563,268 alleles (0.00013%); highest among the groups gnomAD compares: Non-Finnish European, 0.00017%; no homozygotes.

Submission:

Labcorp Genetics (formerly Invitae), Labcorp
Classification: Uncertain significance for Combined immunodeficiency due to CTPS1 deficiency. Last evaluated: 2019-05-31. Review status: criteria provided, single submitter. Criteria: Invitae Variant Classification Sherloc (09022015). Collection method: clinical testing. Allele origin: germline.
Comment: This variant has not been reported in the literature in individuals with CTPS1-related conditions. Algorithms developed to predict the effect of sequence changes on RNA splicing suggest that this variant may disrupt the consensus splice site, but this prediction has not been confirmed by published transcriptional studies. In summary, the available evidence is currently insufficient to determine the role of this variant in disease. Therefore, it has been classified as a Variant of Uncertain Significance. This variant is not present in population databases (ExAC no frequency). This sequence change affects codon 112 of the CTPS1 mRNA. It is a 'silent' change, meaning that it does not change the encoded amino acid sequence of the CTPS1 protein.